The following is an entry in ClinVar:

NM_007055.4(POLR3A):c.1177C>T (p.Pro393Ser)

Gene: POLR3A (RNA polymerase III subunit A; minus strand). Cytogenetic location: 10q22.3.
Variant type: single nucleotide variant.
Coding change: c.1177C>T on transcript NM_007055.4 (MANE Select); coding-DNA position 1177, C replaced by T.
Protein change: p.Pro393Ser; replaces proline 393 with serine.
Molecular consequence: missense variant.
Genome position (GRCh38, 1-based): chr10:78,021,554, G>A on the plus strand (C>T on the coding strand, the complement: POLR3A is on the minus strand). VCF-style: chr10-78021554-G-A. GRCh37 (hg19) VCF-style: chr10-79781312-G-A.
Other names: c.1177C>T (NM_007055.3); short protein forms P393S.
Identifiers: ClinVar variation 1039852 (VCV001039852.6), dbSNP rs939567399, ClinGen allele CA210224627.

ClinVar aggregate classification (germline): Uncertain significance. Review status: criteria provided, multiple submitters, no conflicts (2 of 4 stars). 2 submissions from 2 submitters: Uncertain significance (2). Last evaluated 2025-06-11.

Conditions:
Inborn genetic diseases. Identifiers: MedGen C0950123, MeSH D030342.

Allele frequency attached by ClinVar (database versions not stated): gnomAD exomes 0.00001 and below 0.00001; TOPMed 0.00004.
gnomAD v4.1: 9 of 1,613,988 alleles (0.00056%); highest among the groups gnomAD compares: Admixed American, 0.005%; no homozygotes.

Submissions (2):

Ambry Genetics
Classification: Uncertain significance for Inborn genetic diseases. Last evaluated: 2025-06-11. Review status: criteria provided, single submitter. Criteria: Ambry Variant Classification Scheme 2023. Collection method: clinical testing. Allele origin: germline.

Labcorp Genetics (formerly Invitae), Labcorp
Classification: Uncertain significance. Last evaluated: 2022-08-23. Review status: criteria provided, single submitter. Criteria: Invitae Variant Classification Sherloc (09022015). Collection method: clinical testing. Allele origin: germline.
Comment: This sequence change replaces proline, which is neutral and non-polar, with serine, which is neutral and polar, at codon 393 of the POLR3A protein (p.Pro393Ser). This variant is present in population databases (no rsID available, gnomAD 0.003%). This variant has not been reported in the literature in individuals affected with POLR3A-related conditions. ClinVar contains an entry for this variant (Variation ID: 1039852). Algorithms developed to predict the effect of missense changes on protein structure and function are either unavailable or do not agree on the potential impact of this missense change (SIFT: "Deleterious"; PolyPhen-2: "Probably Damaging"; Align-GVGD: "Class C0"). In summary, the available evidence is currently insufficient to determine the role of this variant in disease. Therefore, it has been classified as a Variant of Uncertain Significance.